The following is an entry in ClinVar:

NM_001080517.3(SETD5):c.3788G>A (p.Arg1263Lys)

Gene: SETD5 (SET domain containing 5; plus strand). Cytogenetic location: 3p25.3.
Variant type: single nucleotide variant.
Coding change: c.3788G>A on transcript NM_001080517.3 (MANE Select); coding-DNA position 3788, G replaced by A.
Protein change: p.Arg1263Lys; replaces arginine 1263 with lysine.
Molecular consequence: missense variant.
Genome position (GRCh38, 1-based): chr3:9,475,550, G>A. VCF-style: chr3-9475550-G-A. GRCh37 (hg19) VCF-style: chr3-9517234-G-A.
Other names: c.3494G>A, p.Arg1165Lys (NM_001292043.2, NM_001349451.2); c.3884G>A, p.Arg1295Lys (NM_001437633.1); c.3902G>A, p.Arg1301Lys (NM_001437635.1); c.3845G>A, p.Arg1282Lys (NM_001437643.1); c.3827G>A, p.Arg1276Lys (NM_001437701.1); short protein forms R1165K, R1263K, R1276K, R1282K, R1295K, R1301K.
Identifiers: ClinVar variation 4864347 (VCV004864347.1).

ClinVar aggregate classification (germline): Uncertain significance (1 of 4 stars; one submission).

Conditions:
Inborn genetic diseases. Identifiers: MedGen C0950123, MeSH D030342.

gnomAD v4.1: 2 of 1,613,716 alleles (0.00012%); highest among the groups gnomAD compares: African/African-American, 0.0027%; no homozygotes.

Submission:

Ambry Genetics
Classification: Uncertain significance for Inborn genetic diseases. Last evaluated: 2026-04-01. Review status: criteria provided, single submitter. Criteria: Ambry Variant Classification Scheme 2023. Collection method: clinical testing. Allele origin: germline.
Comment: The c.3788G>A (p.R1263K) alteration is located in exon 23 (coding exon 21) of the SETD5 gene. This alteration results from a G to A substitution at nucleotide position 3788, causing the arginine (R) at amino acid position 1263 to be replaced by a lysine (K). Based on data from gnomAD, the A allele has an overall frequency of 0.003% (1/31372) total alleles studied. The highest observed frequency was 0.012% (1/8704) of African alleles. Based on insufficient or conflicting evidence, the clinical significance of this alteration remains unclear.